The following is an entry in ClinVar:

ClinVar aggregate classification (germline): Uncertain significance. Review status: criteria provided, single submitter (1 of 4 stars). 2 submissions from 1 submitter: Uncertain significance (2). Last evaluated 2018-06-20.

Conditions:
Infantile myofibromatosis (IMF). Also called: Congenital generalized fibromatosis. Identifiers: Orphanet 2591, MedGen C0432284, MONDO:0016824.
Basal ganglia calcification, idiopathic, 4 (PFBC4). Also called: Familial Idiopathic Basal Ganglia Calcification 4; PRIMARY FAMILIAL BRAIN CALCIFICATION 4, AUTOSOMAL DOMINANT. Identifiers: Orphanet 1980, MedGen C3554321, MONDO:0014004, OMIM 615007.
Skeletal overgrowth-craniofacial dysmorphism-hyperelastic skin-white matter lesions syndrome. Also called: SKELETAL OVERGROWTH WITH FACIAL DYSMORPHISM, HYPERELASTIC SKIN, WHITE MATTER LESIONS, AND NEUROLOGIC DETERIORATION; Kosaki overgrowth syndrome. Identifiers: Orphanet 477831, MedGen C4225270, MONDO:0014704, OMIM 616592.
Acroosteolysis-keloid-like lesions-premature aging syndrome. Also called: Premature aging syndrome, Penttinen type; Prematurely aged appearance, delayed bone maturation, acro-osteolysis, and brachydactyly; Progeroid syndrome, Penttinen type. Identifiers: Orphanet 363665, MedGen C1866182, MONDO:0011150, OMIM 601812.
Myofibromatosis, infantile, 1. Also called: Myofibromatosis, juvenile. Identifiers: Orphanet 2591, MedGen C4551572, MONDO:0009227, OMIM 228550.

Submissions (2):

Labcorp Genetics (formerly Invitae), Labcorp
Classification: Uncertain significance for Basal ganglia calcification, idiopathic, 4; Kosaki overgrowth syndrome; Infantile myofibromatosis 1; Premature aging syndrome, Penttinen type. Last evaluated: 2018-06-20. Review status: criteria provided, single submitter. Criteria: Invitae Variant Classification Sherloc (09022015). Collection method: clinical testing. Allele origin: germline.
Comment: This variant results in a copy number gain of the genomic region encompassing exons 2 to 14 of the PDGFRB gene,Â¬â€ which includes the initiator codon. The 5' end of this event is unknown as it extends beyond the assayed region for this gene and therefore may encompass additional genes. The 3' boundary is likely confined to intron 14 of the PDGFRB gene. As the precise location of this event is unknown, it may be in tandem or it may be located elsewhere in the genome. This variant has not been reported in the literature in individuals with PDGFRB-related disease. In summary, the available evidence is currently insufficient to determine the role of this variant in disease. Therefore, it has been classified as a Variant of Uncertain Significance.

Labcorp Genetics (formerly Invitae), Labcorp
Classification: Uncertain significance for Basal ganglia calcification, idiopathic, 4; Skeletal overgrowth-craniofacial dysmorphism-hyperelastic skin-white matter lesions syndrome; Infantile myofibromatosis; Acroosteolysis-keloid-like lesions-premature aging syndrome. Last evaluated: 2018-06-11. Review status: criteria provided, single submitter. Criteria: Invitae Variant Classification Sherloc (09022015). Collection method: clinical testing. Allele origin: germline.
Comment: In summary, the available evidence is currently insufficient to determine the role of this variant in disease. Therefore, it has been classified as a Variant of Uncertain Significance. This variant has not been reported in the literature in individuals with PDGFRB-related disease. This variant results in a copy number gain of the genomic region encompassing exons 2 to 14 of the PDGFRB gene,¬†which includes the initiator codon. The 5' end of this event is unknown as it extends beyond the assayed region for this gene and therefore may encompass additional genes. The 3' boundary is likely confined to intron 14 of the PDGFRB gene. As the precise location of this event is unknown, it may be in tandem or it may be located elsewhere in the genome.

NC_000005.9:g.(?_149503793)_(149516630_?)dup

Gene: PDGFRB (platelet derived growth factor receptor beta; minus strand). Cytogenetic location: 5q32.
Variant type: Duplication.
Identifiers: ClinVar variation 1010852 (VCV001010852.7).